The following is an entry in ClinVar:

ClinVar aggregate classification (germline): Uncertain significance (1 of 4 stars; one submission).

gnomAD v4.1: 1 of 1,614,104 alleles (0.000062%); highest among the groups gnomAD compares: East Asian, 0.0022%; no homozygotes.

Submission:

Women's Health and Genetics/Laboratory Corporation of America, LabCorp
Classification: Uncertain significance. Last evaluated: 2025-12-24. Review status: criteria provided, single submitter. Criteria: LabCorp Variant Classification Summary - May 2015. Collection method: clinical testing. Allele origin: germline.
Comment: Variant summary: NOD2 c.958C>A (p.Gln320Lys) results in a conservative amino acid change in the encoded protein sequence. Algorithms developed to predict the effect of missense changes on protein structure and function all suggest that this variant is likely to be tolerated. The variant was absent in 251188 control chromosomes. The available data on variant occurrences in the general population are insufficient to allow any conclusion about variant significance. To our knowledge, no occurrence of c.958C>A in individuals affected with NOD2-related conditions and no experimental evidence demonstrating its impact on protein function have been reported. No submitters have cited clinical-significance assessments for this variant to ClinVar. Based on the evidence outlined above, the variant was classified as uncertain significance.

NM_001370466.1(NOD2):c.877C>A (p.Gln293Lys)

Gene: NOD2 (nucleotide binding oligomerization domain containing 2; plus strand). Cytogenetic location: 16q12.1.
Variant type: single nucleotide variant.
Coding change: c.877C>A on transcript NM_001370466.1 (MANE Select); coding-DNA position 877, C replaced by A.
Protein change: p.Gln293Lys; replaces glutamine 293 with lysine.
Molecular consequence: missense variant. On other transcripts: non-coding transcript variant (1).
Genome position (GRCh38, 1-based): chr16:50,710,869, C>A. VCF-style: chr16-50710869-C-A. GRCh37 (hg19) VCF-style: chr16-50744780-C-A.
Other names: c.877C>A, p.Gln293Lys (NM_001293557.2); c.958C>A, p.Gln320Lys (NM_022162.3); short protein forms Q293K, Q320K.
Identifiers: ClinVar variation 4688836 (VCV004688836.1).